The following is an entry in ClinVar:

ClinVar aggregate classification (germline): Benign/Likely benign. Review status: criteria provided, multiple submitters, no conflicts (2 of 4 stars). 5 submissions from 5 submitters: Benign (1); Likely benign (3). 1 of the submissions does not count toward it. Last evaluated 2025-01-31.

Conditions:
Lynch syndrome 4 (LYNCH4). Also called: Colorectal cancer, hereditary nonpolyposis, type 4; Hereditary non-polyposis colorectal cancer, type 4. Identifiers: Orphanet 144, MedGen C1838333, MONDO:0013699, OMIM 614337. Disease mechanism: loss of function.
Hereditary nonpolyposis colorectal neoplasms. Identifiers: MedGen C0009405, MeSH D003123.
Malignant tumor of breast. Also called: Cancer breast; Malignant breast neoplasm. Identifiers: MedGen C0006142, MONDO:0007254. Disease mechanism: loss of function.
Hereditary cancer-predisposing syndrome. Also called: Tumor predisposition; Hereditary neoplastic syndrome; Neoplastic Syndromes, Hereditary; Hereditary Cancer Syndrome. Identifiers: Orphanet 140162, MedGen C0027672, MeSH D009386, MONDO:0015356.

Submissions (5):

Myriad Genetics, Inc.
Classification: Benign for Lynch syndrome 4. Last evaluated: 2025-01-31. Review status: criteria provided, single submitter. Criteria: Myriad Autosomal Dominant, Autosomal Recessive and X-Linked Classification Criteria (2023). Collection method: clinical testing. Allele origin: unknown.
Comment: This variant is considered benign. This variant is a silent/synonymous amino acid change and it is not expected to impact splicing.

Labcorp Genetics (formerly Invitae), Labcorp
Classification: Likely benign for Hereditary nonpolyposis colorectal neoplasms. Last evaluated: 2024-12-09. Review status: criteria provided, single submitter. Criteria: Invitae Variant Classification Sherloc (09022015). Collection method: clinical testing. Allele origin: germline.

CeGaT Center for Human Genetics Tuebingen
Classification: Likely benign. Last evaluated: 2024-10-01. Review status: criteria provided, single submitter. Criteria: CeGaT Center For Human Genetics Tuebingen Variant Classification Criteria Version 2. Collection method: clinical testing. Allele origin: germline. Affected: yes. Observed: 1 variant allele.
Comment: PMS2: PM2:Supporting, BP4, BP7

Ambry Genetics
Classification: Likely benign for Hereditary cancer-predisposing syndrome. Last evaluated: 2020-01-07. Review status: criteria provided, single submitter. Criteria: Ambry Variant Classification Scheme 2023. Collection method: clinical testing. Allele origin: germline.

Department of Pathology and Laboratory Medicine, Sinai Health System
Classification: Uncertain significance for Malignant tumor of breast. Review status: no assertion criteria provided. Collection method: clinical testing. Allele origin: unknown. Affected: yes. Study: The Canadian Open Genetics Repository (COGR). Not counted in ClinVar's aggregate classification.
Comment: The PMS2 p.Val595= variant was not identified in the literature nor was it identified in dbSNP, ClinVar, Cosmic, MutDB, Insight Colon Cancer Gene Variant Database, Zhejiang Colon Cancer Database, Mismatch Repair Genes Variant Database, MMR Gene Unclassified Variants Database, Insight Hereditary Tumors Database. The variant was not identified in the following control databases: the 1000 Genomes Project, the NHLBI GO Exome Sequencing Project, the Exome Aggregation Consortium (August 8th 2016), or the Genome Aggregation Database (Feb 27, 2017). The p.Val595Val variant is not expected to have clinical significance because it does not result in a change of amino acid and is not located in a known consensus splice site. In addition, in silico or computational prediction software programs (SpliceSiteFinder, MaxEntScan, NNSPLICE, GeneSplicer, HumanSpliceFinder) do not predict a difference in splicing. In summary, based on the above information the clinical significance of this variant cannot be determined with certainty at this time. This variant is classified as a variant of uncertain significance.

NM_000535.7(PMS2):c.1785A>G (p.Val595=)

Gene: PMS2 (PMS1 homolog 2, mismatch repair system component; minus strand). Cytogenetic location: 7p22.1.
Variant type: single nucleotide variant.
Coding change: c.1785A>G on transcript NM_000535.7 (MANE Select); coding-DNA position 1785, A replaced by G.
Protein change: p.Val595=; no amino-acid change (valine 595 retained).
Molecular consequence: synonymous variant. On other transcripts: non-coding transcript variant (1).
Genome position (GRCh38, 1-based): chr7:5,986,980, T>C on the plus strand (A>G on the coding strand, the complement: PMS2 is on the minus strand). VCF-style: chr7-5986980-T-C. GRCh37 (hg19) VCF-style: chr7-6026611-T-C.
Other names: c.1380A>G, p.Val460= (NM_001322003.2, NM_001322004.2, NM_001322005.2 and 1 more transcripts); c.1629A>G, p.Val543= (NM_001322006.2); c.1467A>G, p.Val489= (NM_001322007.2, NM_001322008.2); c.1224A>G, p.Val408= (NM_001322010.2); c.852A>G, p.Val284= (NM_001322011.2, NM_001322012.2); c.1212A>G, p.Val404= (NM_001322013.2); c.1785A>G, p.Val595= (NM_001322014.2); c.1476A>G, p.Val492= (NM_001322015.2).
Identifiers: ClinVar variation 1049783 (VCV001049783.21), dbSNP rs2128723511, ClinGen allele CA453745875.